The following is an entry in ClinVar:

ClinVar aggregate classification (germline): Likely pathogenic (1 of 4 stars; one submission).

Conditions:
Hereditary breast ovarian cancer syndrome. Also called: Hereditary breast and ovarian cancer syndrome; Hereditary breast and ovarian cancer syndrome (HBOC); Hereditary breast and/or ovarian cancer syndrome; Hereditary breast and ovarian cancer; Breast and ovarian cancer; BRCA1- and BRCA2-Associated Hereditary Breast and Ovarian Cancer. Identifiers: Orphanet 145, MedGen C0677776, MeSH D061325, MONDO:0003582. Disease mechanism: loss of function.

Submission:

Women's Health and Genetics/Laboratory Corporation of America, LabCorp
Classification: Likely pathogenic for Hereditary breast and ovarian cancer syndrome. Last evaluated: 2019-07-05. Review status: criteria provided, single submitter. Criteria: LabCorp Variant Classification Summary - May 2015. Collection method: clinical testing. Allele origin: germline.
Comment: Variant summary: BRCA2 c.517-2A>T is located in a canonical splice-site and is predicted to affect mRNA splicing resulting in a significantly altered protein due to either exon skipping, shortening, or inclusion of intronic material. Several computational tools predict a significant impact on normal splicing: Five predict the variant shifts a 3' acceptor site to 9 nucleotides downstream, which would create an in-frame shift. However, these predictions have yet to be confirmed by functional studies. The variant was absent in 251306 control chromosomes. c.517-2A>T has been reported in the literature in an individual affected with Hereditary Breast and Ovarian Cancer (Sunami_2019). These data do not allow any conclusion about variant significance. To our knowledge, no experimental evidence demonstrating an impact on protein function has been reported. No clinical diagnostic laboratories have submitted clinical-significance assessments for this variant to ClinVar after 2014. Based on the evidence outlined above, the variant was classified as likely pathogenic.

Literature cited by the submitters: PubMed 30742731.

NM_000059.4(BRCA2):c.517-2A>T

Gene: BRCA2 (BRCA2 DNA repair associated; plus strand). Cytogenetic location: 13q13.1.
Variant type: single nucleotide variant.
Coding change: c.517-2A>T on transcript NM_000059.4 (MANE Select); the canonical splice acceptor site of the intron before coding-DNA position 517, A replaced by T.
Molecular consequence: splice acceptor variant.
Genome position (GRCh38, 1-based): chr13:32,326,497, A>T. VCF-style: chr13-32326497-A-T. GRCh37 (hg19) VCF-style: chr13-32900634-A-T.
Other names: c.517-2A>T (NM_001406720.1, NM_001406719.1, NM_001406721.1); c.148-2A>T (NM_001406722.1).
Identifiers: ClinVar variation 929044 (VCV000929044.3), dbSNP rs81002858, ClinGen allele CA387757763.